The following is an entry in ClinVar:

ClinVar aggregate classification (germline): Likely benign. Review status: criteria provided, single submitter (1 of 4 stars). 2 submissions from 2 submitters: Likely benign (1). 1 of the submissions does not count toward it. Last evaluated 2024-03-04.

Conditions:
ARID1B-Related Disorder. Identifiers: MedGen CN381337.

Allele frequency attached by ClinVar (database versions not stated): ExAC 0.00001; gnomAD 0.00001; TOPMed 0.00001.
gnomAD v4.1: 22 of 1,614,036 alleles (0.0014%); highest among the groups gnomAD compares: South Asian, 0.021%; no homozygotes.

Submissions (2):

Labcorp Genetics (formerly Invitae), Labcorp
Classification: Likely benign. Last evaluated: 2024-03-04. Review status: criteria provided, single submitter. Criteria: Invitae Variant Classification Sherloc (09022015). Collection method: clinical testing. Allele origin: germline.

PreventionGenetics, part of Exact Sciences
Classification: Likely benign for ARID1B-related condition. Last evaluated: 2024-09-04. Review status: no assertion criteria provided. Collection method: clinical testing. Allele origin: germline. Not counted in ClinVar's aggregate classification.
Comment: This variant is classified as likely benign based on ACMG/AMP sequence variant interpretation guidelines (Richards et al. 2015 PMID: 25741868, with internal and published modifications).

NM_001374828.1(ARID1B):c.6442T>C (p.Leu2148=)

Gene: ARID1B (AT-rich interaction domain 1B; plus strand). Cytogenetic location: 6q25.3.
Variant type: single nucleotide variant.
Coding change: c.6442T>C on transcript NM_001374828.1 (MANE Select); coding-DNA position 6442, T replaced by C.
Protein change: p.Leu2148=; no amino-acid change (leucine 2148 retained).
Molecular consequence: synonymous variant.
Genome position (GRCh38, 1-based): chr6:157,207,214, T>C. VCF-style: chr6-157207214-T-C. GRCh37 (hg19) VCF-style: chr6-157528348-T-C.
Other names: c.6193T>C, p.Leu2065= (NM_001346813.1); c.3943T>C, p.Leu1315= (NM_001363725.2); c.6322T>C, p.Leu2108= (NM_001371656.1, NM_001374820.1); c.6283T>C, p.Leu2095= (NM_017519.3); c.6073T>C, p.Leu2025= (NM_020732.3); c.5860T>C, p.Leu1954= (NM_175863.2).
Identifiers: ClinVar variation 1895522 (VCV001895522.6), dbSNP rs766156282, ClinGen allele CA4068023.